The following is an entry in ClinVar:

NM_000257.4(MYH7):c.3493A>G (p.Lys1165Glu)

Gene: MYH7 (myosin heavy chain 7; minus strand). Cytogenetic location: 14q11.2.
Variant type: single nucleotide variant.
Coding change: c.3493A>G on transcript NM_000257.4 (MANE Select); coding-DNA position 3493, A replaced by G.
Protein change: p.Lys1165Glu; replaces lysine 1165 with glutamic acid.
Molecular consequence: missense variant.
Genome position (GRCh38, 1-based): chr14:23,420,078, T>C on the plus strand (A>G on the coding strand, the complement: MYH7 is on the minus strand). VCF-style: chr14-23420078-T-C. GRCh37 (hg19) VCF-style: chr14-23889287-T-C.
Other names: c.3493A>G, p.Lys1165Glu (NM_001407004.1); short protein forms K1165E.
Identifiers: ClinVar variation 3721455 (VCV003721455.2).

ClinVar aggregate classification (germline): Uncertain significance (1 of 4 stars; one submission).

Conditions:
Hypertrophic cardiomyopathy. Also called: HYPERTROPHIC MYOCARDIOPATHY. Identifiers: Orphanet 217569, MedGen C0007194, MeSH D002312, MONDO:0005045, HP:0001639.

gnomAD v4.1: 5 of 1,596,512 alleles (0.00031%); highest among the groups gnomAD compares: South Asian, 0.0055%; no homozygotes.

Submission:

Labcorp Genetics (formerly Invitae), Labcorp
Classification: Uncertain significance for Hypertrophic cardiomyopathy. Last evaluated: 2024-10-31. Review status: criteria provided, single submitter. Criteria: Invitae Variant Classification Sherloc (09022015). Collection method: clinical testing. Allele origin: germline.
Comment: This sequence change replaces lysine, which is basic and polar, with glutamic acid, which is acidic and polar, at codon 1165 of the MYH7 protein (p.Lys1165Glu). This variant is present in population databases (rs777783900, gnomAD 0.01%). This missense change has been observed in individual(s) with hypertrophic cardiomyopathy (PMID: 27532257, 37652022). Invitae Evidence Modeling of protein sequence and biophysical properties (such as structural, functional, and spatial information, amino acid conservation, physicochemical variation, residue mobility, and thermodynamic stability) indicates that this missense variant is expected to disrupt MYH7 protein function with a positive predictive value of 95%. In summary, the available evidence is currently insufficient to determine the role of this variant in disease. Therefore, it has been classified as a Variant of Uncertain Significance.

Literature cited by the submitters: PubMed 27532257; PubMed 37652022.